The following is an entry in ClinVar:

NM_001039876.3(SYNE4):c.699G>A (p.Trp233Ter)

Gene: SYNE4 (spectrin repeat containing nuclear envelope family member 4; minus strand). Cytogenetic location: 19q13.12.
Variant type: single nucleotide variant.
Coding change: c.699G>A on transcript NM_001039876.3 (MANE Select); coding-DNA position 699, G replaced by A.
Protein change: p.Trp233Ter; replaces tryptophan 233 with a stop codon.
Molecular consequence: nonsense.
Genome position (GRCh38, 1-based): chr19:36,006,591, C>T on the plus strand (G>A on the coding strand, the complement: SYNE4 is on the minus strand). VCF-style: chr19-36006591-C-T. GRCh37 (hg19) VCF-style: chr19-36497493-C-T.
Other names: c.360G>A, p.Trp120Ter (NM_001297735.3); short protein forms W233*, W120*.
Identifiers: ClinVar variation 228294 (VCV000228294.45), dbSNP rs200484521, ClinGen allele CA9393865.
Genomic context (GRCh38, chr19:36,006,591, plus strand): 5'-CCCCGCCGGATCCCACTCCAACTCTGTGGAAGTGGGGAGGCTACTGGGTGCCCAGGGCCC[C>T]CAGACCCCACCAGGTCCTGGCCAGTCCGAGTCTCCCTCGACCTCCAAGTCCTGGTCCAGC-3'

ClinVar aggregate classification (germline): Conflicting classifications of pathogenicity. Review status: criteria provided, conflicting classifications (1 of 4 stars). 10 submissions from 10 submitters: Pathogenic (6); Likely pathogenic (2); Uncertain significance (1). 1 of the submissions does not count toward it. Last evaluated 2026-10-11.

Conditions:
Monogenic hearing loss.
SYNE4-related disorder. Also called: SYNE4-related condition.
Autosomal recessive nonsyndromic hearing loss 76. Also called: Deafness, autosomal recessive 76. Identifiers: Orphanet 90636, MedGen C3147083, MONDO:0014237, OMIM 615540.
Nonsyndromic genetic hearing loss. Also called: Non-syndromic genetic deafness; Nonsyndromic hearing loss and deafness; Nonsyndromic genetic deafness. Identifiers: Orphanet 87884, MedGen C5680182, MONDO:0019497.

Allele frequency attached by ClinVar (database versions not stated): gnomAD exomes 0.00032 and 0.00081; ExAC 0.00037; TOPMed 0.00062; gnomAD 0.00064 and 0.00066; ESP Exome Variant Server 0.00093.
gnomAD v4.1: 1,266 of 1,607,538 alleles (0.079%); highest among the groups gnomAD compares: Non-Finnish European, 0.1%; no homozygotes.

Submissions (10):

GeneDx
Classification: Pathogenic. Last evaluated: 2026-10-11. Review status: criteria provided, single submitter. Criteria: GeneDx Variant Classification Process June 2021. Collection method: clinical testing. Allele origin: germline.
Comment: Observed with a pathogenic variant (phase unknown) in multiple patients with clinical features consistent with a SYNE4-related disorder referred for genetic testing at GeneDx; Nonsense variant predicted to result in protein truncation or nonsense mediated decay in a gene for which loss of function is a known mechanism of disease; This variant is associated with the following publications: (PMID: 23348741, 29245897, 33057194, 35982159, 34515852)

PreventionGenetics, part of Exact Sciences
Classification: Pathogenic for SYNE4-related condition. Last evaluated: 2026-07-27. Review status: criteria provided, single submitter. Criteria: ACMG Guidelines, 2015. Collection method: clinical testing. Allele origin: germline.
Comment: The SYNE4 c.699G>A variant is predicted to result in premature protein termination (p.Trp233*). This variant was reported in the absence of a second SYNE4 variant in an individual with mild bilateral hearing loss (subject 28, Supplement 2, Florentine et al. 2022. PubMed Link: 34515852). At PreventionGenetics, this variant has been observed in the homozygous state or heterozygous state along with a likely pathogenic variant in four individuals undergoing testing for hearing loss from three apparently unrelated families. Of note, this variant has also been reported in the heterozygous state in an individual with developmental disorder, although conclusive evidence of pathogenicity was not presented (Patient DDD13k.05343 in Table S1, Kaplanis et al. 2020. PubMed ID: 33057194; Supplementary Data 3, Zhou et al. 2022. PubMed ID: 35982159). This variant is reported in 0.064% of alleles in individuals of European (non-Finnish) descent in gnomAD and has conflicting classifications in ClinVar ranging from uncertain to pathogenic (ClinVar ID: 228294). Nonsense variants in SYNE4 are expected to be pathogenic. In relation to autosomal recessive hearing loss, this variant is interpreted as pathogenic.

Labcorp Genetics (formerly Invitae), Labcorp
Classification: Pathogenic. Last evaluated: 2026-01-09. Review status: criteria provided, single submitter. Criteria: Invitae Variant Classification Sherloc (09022015). Collection method: clinical testing. Allele origin: germline.
Comment: This sequence change creates a premature translational stop signal (p.Trp233*) in the SYNE4 gene. It is expected to result in an absent or disrupted protein product. Loss-of-function variants in SYNE4 are known to be pathogenic (PMID: 23348741, 28958982). This variant is present in population databases (rs200484521, gnomAD 0.06%). This variant has not been reported in the literature in individuals affected with SYNE4-related conditions. ClinVar contains an entry for this variant (Variation ID: 228294). For these reasons, this variant has been classified as Pathogenic.

Genetics Laboratory, Great Ormond Street Hospital NHS Foundation Trust, North Thames Genomic Laboratory Hub
Classification: Pathogenic for Monogenic hearing loss. Last evaluated: 2025-11-27. Review status: criteria provided, single submitter. Criteria: ACGS Best Practice Guidelines for Variant Classification in Rare Disease 2024 v1.2. Collection method: clinical testing. Allele origin: germline. Affected: yes.
Comment: PM2_supporting, PVS1_very-strong, PM3_moderate

CeGaT Center for Human Genetics Tuebingen
Classification: Uncertain significance. Last evaluated: 2025-04-01. Review status: criteria provided, single submitter. Criteria: CeGaT Center For Human Genetics Tuebingen Variant Classification Criteria Version 2. Collection method: clinical testing. Allele origin: germline. Affected: yes. Observed: 1 variant allele.
Comment: SYNE4: PVS1:Strong, PM2:Supporting

Blueprint Genetics
Classification: Pathogenic for SYNE4-related disorders. Last evaluated: 2024-10-30. Review status: criteria provided, single submitter. Criteria: ACMG Guidelines, 2015. Collection method: clinical testing. Allele origin: germline. Affected: yes. Observed: 5 variant alleles.

Fulgent Genetics
Classification: Likely pathogenic for Autosomal recessive nonsyndromic hearing loss 76. Last evaluated: 2024-01-25. Review status: criteria provided, single submitter. Criteria: ACMG Guidelines, 2015. Collection method: clinical testing. Allele origin: germline.

Women's Health and Genetics/Laboratory Corporation of America, LabCorp
Classification: Pathogenic for Nonsyndromic genetic hearing loss. Last evaluated: 2024-01-04. Review status: criteria provided, single submitter. Criteria: LabCorp Variant Classification Summary - May 2015. Collection method: clinical testing. Allele origin: germline.
Comment: Variant summary: SYNE4 c.699G>A (p.Trp233X) results in a premature termination codon and is predicted to cause absence of the protein due to nonsense mediated decay, a commonly known mechanism for disease. The variant allele was found at a frequency of 0.00079 in 1607538 control chromosomes, predominantly at a frequency of 0.001 within the Non-Finnish European subpopulation in the gnomAD database (v4). This frequency is not higher than estimated for a pathogenic variant in SYNE4 causing Nonsyndromic Hearing Loss And Deafness, Type 76 (0.001 vs 0.0011), allowing no strong conclusion about variant significance. To our knowledge, no occurrence of c.699G>A in individuals affected with Nonsyndromic Hearing Loss And Deafness and no experimental evidence demonstrating its impact on protein function have been reported. ClinVar contains an entry for this variant (Variation ID: 228294). Based on the evidence outlined above, the variant was classified as pathogenic.

ARUP Laboratories, Molecular Genetics and Genomics, ARUP Laboratories
Classification: Likely pathogenic for Autosomal recessive nonsyndromic hearing loss 76. Last evaluated: 2021-11-30. Review status: criteria provided, single submitter. Criteria: ARUP Molecular Germline Variant Investigation Process 2021. Collection method: clinical testing. Allele origin: germline.

Laboratory for Molecular Medicine, Mass General Brigham Personalized Medicine
Classification: Uncertain significance. Last evaluated: 2020-01-07. Review status: flagged submission. Criteria: LMM Criteria. Collection method: clinical testing. Allele origin: germline. Inheritance: Autosomal recessive inheritance. Observed: 1 variant allele. Not counted in ClinVar's aggregate classification.
Comment: proposed classification - variant undergoing re-assessment, contact laboratory
ClinVar note: Reason: Outlier claim with insufficient supporting evidence

Literature cited by the submitters: PubMed 23348741 (cited by Labcorp Genetics (formerly Invitae), Labcorp and Laboratory for Molecular Medicine, Mass General Brigham Personalized Medicine); PubMed 28958982 (cited by Labcorp Genetics (formerly Invitae), Labcorp).